The following is an entry in ClinVar:

NM_002968.3(SALL1):c.2002G>A (p.Glu668Lys)

Gene: SALL1 (spalt like transcription factor 1; minus strand). Cytogenetic location: 16q12.1.
Variant type: single nucleotide variant.
Coding change: c.2002G>A on transcript NM_002968.3 (MANE Select); coding-DNA position 2002, G replaced by A.
Protein change: p.Glu668Lys; replaces glutamic acid 668 with lysine.
Molecular consequence: missense variant.
Genome position (GRCh38, 1-based): chr16:51,140,220, C>T on the plus strand (G>A on the coding strand, the complement: SALL1 is on the minus strand). VCF-style: chr16-51140220-C-T. GRCh37 (hg19) VCF-style: chr16-51174131-C-T.
Other names: c.1711G>A, p.Glu571Lys (NM_001127892.2); short protein forms E668K, E571K.
Identifiers: ClinVar variation 3707030 (VCV003707030.2).

ClinVar aggregate classification (germline): Uncertain significance (1 of 4 stars; one submission).

Conditions:
Townes syndrome (TBS). Also called: Townes-Brocks syndrome. Identifiers: Orphanet 857, MedGen C0265246, MeSH C536974, MONDO:0007142.

gnomAD v4.1: 14 of 1,614,008 alleles (0.00087%); highest among the groups gnomAD compares: Non-Finnish European, 0.0012%; no homozygotes.

Submission:

Labcorp Genetics (formerly Invitae), Labcorp
Classification: Uncertain significance for Townes syndrome. Last evaluated: 2025-04-19. Review status: criteria provided, single submitter. Criteria: Invitae Variant Classification Sherloc (09022015). Collection method: clinical testing. Allele origin: germline.
Comment: This sequence change replaces glutamic acid, which is acidic and polar, with lysine, which is basic and polar, at codon 668 of the SALL1 protein (p.Glu668Lys). This variant is present in population databases (rs763206883, gnomAD 0.0009%). This variant has not been reported in the literature in individuals affected with SALL1-related conditions. ClinVar contains an entry for this variant (Variation ID: 3707030). Invitae Evidence Modeling of protein sequence and biophysical properties (such as structural, functional, and spatial information, amino acid conservation, physicochemical variation, residue mobility, and thermodynamic stability) indicates that this missense variant is not expected to disrupt SALL1 protein function with a negative predictive value of 80%. In summary, the available evidence is currently insufficient to determine the role of this variant in disease. Therefore, it has been classified as a Variant of Uncertain Significance.